The following is an entry in ClinVar:

ClinVar aggregate classification (germline): Likely pathogenic (1 of 4 stars; one submission).

Conditions:
Achondrogenesis, type IB (ACG1B). Also called: Achondrogenesis Type 1B. Identifiers: Orphanet 932, Orphanet 93298, MedGen C0265274, MONDO:0010966, OMIM 600972.
Atelosteogenesis type II (AO2). Also called: NEONATAL OSSEOUS DYSPLASIA I; SLC26A2-Related Atelosteogenesis; Neonatal osseous dysplasia 1. Identifiers: Orphanet 56304, MedGen C1850554, MONDO:0009727, OMIM 256050.
Diastrophic dysplasia (DTD). Also called: Diastrophic dwarfism. Identifiers: Orphanet 628, MedGen C0220726, MONDO:0009107, OMIM 222600.
Multiple epiphyseal dysplasia type 4 (EDM4). Also called: Multiple Epiphyseal Dysplasia, Recessive; MULTIPLE EPIPHYSEAL DYSPLASIA WITH BILAYERED PATELLAE; MULTIPLE EPIPHYSEAL DYSPLASIA WITH CLUBFOOT; MULTIPLE EPIPHYSEAL DYSPLASIA, AUTOSOMAL RECESSIVE; SLC26A2-Related Multiple Epiphyseal Dysplasia. Identifiers: Orphanet 93307, MedGen C1847593, MONDO:0009189, OMIM 226900.

Submission:

Juno Genomics, Hangzhou Juno Genomics, Inc
Classification: Likely pathogenic for Achondrogenesis, type IB; Atelosteogenesis type II; Diastrophic dysplasia; Multiple epiphyseal dysplasia type 4. Review status: criteria provided, single submitter. Criteria: ACMG Guidelines, 2015. Collection method: clinical testing. Allele origin: germline.
Comment: Absent from controls (or at extremely low frequency if recessive) in Genome Aggregation Database.;Multiple lines of computational evidence support a deleterious effect on the gene or gene product.;For recessive disorders, detected in trans with a pathogenic variant.;Co-segregation with disease in multiple affected family members.;Patient's phenotype or family history is highly specific for a disease with a single genetic etiology.

NM_000112.4(SLC26A2):c.1198C>T (p.Leu400Phe)

Gene: SLC26A2 (solute carrier family 26 member 2; plus strand). Cytogenetic location: 5q32.
Variant type: single nucleotide variant.
Coding change: c.1198C>T on transcript NM_000112.4 (MANE Select); coding-DNA position 1198, C replaced by T.
Protein change: p.Leu400Phe; replaces leucine 400 with phenylalanine.
Molecular consequence: missense variant.
Genome position (GRCh38, 1-based): chr5:149,980,791, C>T. VCF-style: chr5-149980791-C-T. GRCh37 (hg19) VCF-style: chr5-149360354-C-T.
Other names: short protein forms L400F.
Identifiers: ClinVar variation 5006855 (VCV005006855.2).
Genomic context (GRCh38, chr5:149,980,791, plus strand): 5'-CCTAGTGTGGCTGTAGATGCAATAGCTATTTCCATCATTGGTTTTGCTATCACTGTATCA[C>T]TTTCTGAGATGTTTGCCAAGAAACATGGTTACACAGTCAAAGCAAACCAGGAAATGTATG-3'
Protein context (NP_000103.2, residues 390-410): SIIGFAITVS[Leu400Phe]SEMFAKKHGY